The following is an entry in ClinVar:

ClinVar aggregate classification (germline): Uncertain significance. Review status: criteria provided, multiple submitters, no conflicts (2 of 4 stars). 2 submissions from 2 submitters: Uncertain significance (2). Last evaluated 2025-12-03.

Conditions:
Inborn genetic diseases. Identifiers: MedGen C0950123, MeSH D030342.

Allele frequency attached by ClinVar (database versions not stated): TOPMed below 0.00001; gnomAD 0.00001.
gnomAD v4.1: 107 of 1,443,130 alleles (0.0074%); highest among the groups gnomAD compares: Non-Finnish European, 0.0095%; no homozygotes.

Submissions (2):

Ambry Genetics
Classification: Uncertain significance for Inborn genetic diseases. Last evaluated: 2025-12-03. Review status: criteria provided, single submitter. Criteria: Ambry Variant Classification Scheme 2023. Collection method: clinical testing. Allele origin: germline.

Labcorp Genetics (formerly Invitae), Labcorp
Classification: Uncertain significance. Last evaluated: 2022-10-17. Review status: criteria provided, single submitter. Criteria: Invitae Variant Classification Sherloc (09022015). Collection method: clinical testing. Allele origin: germline.
Comment: This sequence change replaces arginine, which is basic and polar, with tryptophan, which is neutral and slightly polar, at codon 458 of the SPEG protein (p.Arg458Trp). The frequency data for this variant in the population databases is considered unreliable, as metrics indicate poor data quality at this position in the gnomAD database. This variant has not been reported in the literature in individuals affected with SPEG-related conditions. Algorithms developed to predict the effect of missense changes on protein structure and function are either unavailable or do not agree on the potential impact of this missense change (SIFT: "Deleterious"; PolyPhen-2: "Benign"; Align-GVGD: "Class C0"). In summary, the available evidence is currently insufficient to determine the role of this variant in disease. Therefore, it has been classified as a Variant of Uncertain Significance.

NM_005876.5(SPEG):c.1372C>T (p.Arg458Trp)

Gene: SPEG (striated muscle enriched protein kinase; plus strand). Cytogenetic location: 2q35.
Variant type: single nucleotide variant.
Coding change: c.1372C>T on transcript NM_005876.5 (MANE Select); coding-DNA position 1372, C replaced by T.
Protein change: p.Arg458Trp; replaces arginine 458 with tryptophan.
Molecular consequence: missense variant.
Genome position (GRCh38, 1-based): chr2:219,448,530, C>T. VCF-style: chr2-219448530-C-T. GRCh37 (hg19) VCF-style: chr2-220313252-C-T.
Other names: c.1372C>T (NM_005876.4); short protein forms R458W.
Identifiers: ClinVar variation 1905325 (VCV001905325.3), dbSNP rs920547957, ClinGen allele CA66004525.